The following is an entry in ClinVar:

ClinVar aggregate classification (germline): Uncertain significance (1 of 4 stars; one submission).

Conditions:
Hereditary cancer-predisposing syndrome. Also called: Hereditary Cancer Syndrome; Hereditary neoplastic syndrome; Tumor predisposition; Neoplastic Syndromes, Hereditary. Identifiers: Orphanet 140162, MedGen C0027672, MeSH D009386, MONDO:0015356.

gnomAD v4.1: 2 of 1,613,958 alleles (0.00012%); highest among the groups gnomAD compares: Non-Finnish European, 0.00017%; no homozygotes.

Submission:

Ambry Genetics
Classification: Uncertain significance for Hereditary cancer-predisposing syndrome. Last evaluated: 2024-11-30. Review status: criteria provided, single submitter. Criteria: Ambry Variant Classification Scheme 2023. Collection method: clinical testing. Allele origin: germline.
Comment: The p.N749S variant (also known as c.2246A>G), located in coding exon 13 of the ALK gene, results from an A to G substitution at nucleotide position 2246. The asparagine at codon 749 is replaced by serine, an amino acid with highly similar properties. This amino acid position is conserved. In addition, this alteration is predicted to be tolerated by in silico analysis. Based on the available evidence, the clinical significance of this variant remains unclear.

NM_004304.5(ALK):c.2246A>G (p.Asn749Ser)

Gene: ALK (ALK receptor tyrosine kinase; minus strand). Cytogenetic location: 2p23.2.
Variant type: single nucleotide variant.
Coding change: c.2246A>G on transcript NM_004304.5 (MANE Select); coding-DNA position 2246, A replaced by G.
Protein change: p.Asn749Ser; replaces asparagine 749 with serine.
Molecular consequence: missense variant.
Genome position (GRCh38, 1-based): chr2:29,239,789, T>C on the plus strand (A>G on the coding strand, the complement: ALK is on the minus strand). VCF-style: chr2-29239789-T-C. GRCh37 (hg19) VCF-style: chr2-29462655-T-C.
Other names: short protein forms N749S.
Identifiers: ClinVar variation 3525331 (VCV003525331.1).